The following is an entry in ClinVar:

NM_004304.5(ALK):c.3574C>T (p.Arg1192Trp)

Gene: ALK (ALK receptor tyrosine kinase; minus strand). Cytogenetic location: 2p23.2.
Variant type: single nucleotide variant.
Coding change: c.3574C>T on transcript NM_004304.5 (MANE Select); coding-DNA position 3574, C replaced by T.
Protein change: p.Arg1192Trp; replaces arginine 1192 with tryptophan.
Molecular consequence: missense variant.
Genome position (GRCh38, 1-based): chr2:29,220,777, G>A on the plus strand (C>T on the coding strand, the complement: ALK is on the minus strand). VCF-style: chr2-29220777-G-A. GRCh37 (hg19) VCF-style: chr2-29443643-G-A.
Other names: c.370C>T, p.Arg124Trp (NM_001353765.2); short protein forms R1192W, R124W.
Identifiers: ClinVar variation 538184 (VCV000538184.22), dbSNP rs534852056, ClinGen allele CA1593860.

ClinVar aggregate classification (germline): Uncertain significance. Review status: criteria provided, multiple submitters, no conflicts (2 of 4 stars). 4 submissions from 4 submitters: Uncertain significance (4). Last evaluated 2025-12-08.

Conditions:
Hereditary cancer-predisposing syndrome. Also called: Neoplastic Syndromes, Hereditary; Tumor predisposition; Hereditary Cancer Syndrome; Hereditary neoplastic syndrome. Identifiers: Orphanet 140162, MedGen C0027672, MeSH D009386, MONDO:0015356.
Neuroblastoma, susceptibility to, 3. Also called: ALK-Related Neuroblastic Tumor Susceptibility. Identifiers: Orphanet 635, MedGen C2751681, MONDO:0013083, OMIM 613014.

Allele frequency attached by ClinVar (database versions not stated): ExAC 0.00002; gnomAD 0.00002 and 0.00003; TOPMed 0.00002; 1000 Genomes Project 0.00020; 1000 Genomes Project 30x 0.00031.
gnomAD v4.1: 42 of 1,614,074 alleles (0.0026%); highest among the groups gnomAD compares: Non-Finnish European, 0.0034%; no homozygotes.

Submissions (4):

Labcorp Genetics (formerly Invitae), Labcorp
Classification: Uncertain significance for Neuroblastoma, susceptibility to, 3. Last evaluated: 2025-12-08. Review status: criteria provided, single submitter. Criteria: Invitae Variant Classification Sherloc (09022015). Collection method: clinical testing. Allele origin: germline.
Comment: This sequence change replaces arginine, which is basic and polar, with tryptophan, which is neutral and slightly polar, at codon 1192 of the ALK protein (p.Arg1192Trp). This variant is present in population databases (rs534852056, gnomAD 0.004%). This variant has not been reported in the literature in individuals affected with ALK-related conditions. ClinVar contains an entry for this variant (Variation ID: 538184). An algorithm developed to predict the effect of missense changes on protein structure and function (PolyPhen-2) suggests that this variant is likely to be disruptive. This variant disrupts the p.Arg1192 amino acid residue in ALK. Other variant(s) that disrupt this residue have been determined to be pathogenic (PMID: 18724359, 18923523). This suggests that this residue is clinically significant, and that variants that disrupt this residue are likely to be disease-causing. In summary, the available evidence is currently insufficient to determine the role of this variant in disease. Therefore, it has been classified as a Variant of Uncertain Significance.

Ambry Genetics
Classification: Uncertain significance for Hereditary cancer-predisposing syndrome. Last evaluated: 2025-09-10. Review status: criteria provided, single submitter. Criteria: Ambry Variant Classification Scheme 2023. Collection method: clinical testing. Allele origin: germline.
Comment: The p.R1192W variant (also known as c.3574C>T), located in coding exon 23 of the ALK gene, results from a C to T substitution at nucleotide position 3574. The arginine at codon 1192 is replaced by tryptophan, an amino acid with dissimilar properties. This amino acid position is highly conserved in available vertebrate species. In addition, this alteration is predicted to be deleterious by in silico analysis. Based on the available evidence, the clinical significance of this variant remains unclear.

Baylor Genetics
Classification: Uncertain significance for Neuroblastoma, susceptibility to, 3. Last evaluated: 2024-01-14. Review status: criteria provided, single submitter. Criteria: ACMG Guidelines, 2015. Collection method: clinical testing. Allele origin: unknown.

Illumina Laboratory Services, Illumina
Classification: Uncertain significance for Neuroblastoma, susceptibility to, 3. Last evaluated: 2017-04-28. Review status: criteria provided, single submitter. Criteria: ICSL Variant Classification Criteria 13 December 2019. Collection method: clinical testing. Allele origin: germline.

Literature cited by the submitters: PubMed 18724359 (cited by Labcorp Genetics (formerly Invitae), Labcorp); PubMed 18923523 (cited by Labcorp Genetics (formerly Invitae), Labcorp).